The following is an entry in ClinVar:

NM_000383.4(AIRE):c.308-3C>T

Gene: AIRE (autoimmune regulator; plus strand). Cytogenetic location: 21q22.3.
Variant type: single nucleotide variant.
Coding change: c.308-3C>T on transcript NM_000383.4 (MANE Select); 3 bases into the intron before coding-DNA position 308, C replaced by T.
Molecular consequence: intron variant.
Genome position (GRCh38, 1-based): chr21:44,286,975, C>T. VCF-style: chr21-44286975-C-T. GRCh37 (hg19) VCF-style: chr21-45706858-C-T.
Identifiers: ClinVar variation 2060638 (VCV002060638.1), dbSNP rs2040488274, ClinGen allele CA1022714157.
Genomic context (GRCh38, chr21:44,286,975, plus strand): 5'-GGCCCACCCTACCCCTGGAGAAAACCCTGAGGTTGGGACCCTGCTCCTGCCCCTGAGCTG[C>T]AGATGTGGACCTCAGCCAGCCCCGGAAGGGGAGGAAGCCCCCGGCCGTCCCCAAGGCTTT-3'

ClinVar aggregate classification (germline): Uncertain significance (1 of 4 stars; one submission).

Conditions:
Polyglandular autoimmune syndrome, type 1 (APS1). Also called: Autoimmune polyendocrinopathy syndrome , type I, with or without reversible metaphyseal dysplasia; Autoimmune polyendocrine syndrome type 1; HYPOADRENOCORTICISM WITH HYPOPARATHYROIDISM AND SUPERFICIAL MONILIASIS; Autoimmune polyendocrinopathy syndrome, type I; AUTOIMMUNE POLYENDOCRINE SYNDROME, TYPE I, WITH OR WITHOUT REVERSIBLE METAPHYSEAL DYSPLASIA; APS I. Identifiers: Orphanet 3453, MedGen C0085859, MONDO:0009411, OMIM 240300.

Allele frequency attached by ClinVar (database versions not stated): TOPMed below 0.00001; gnomAD 0.00001; gnomAD exomes 0.00001.
gnomAD v4.1: 9 of 1,612,628 alleles (0.00056%); highest among the groups gnomAD compares: Admixed American, 0.005%; no homozygotes.

Submission:

Labcorp Genetics (formerly Invitae), Labcorp
Classification: Uncertain significance for Polyglandular autoimmune syndrome, type 1. Last evaluated: 2022-03-20. Review status: criteria provided, single submitter. Criteria: Invitae Variant Classification Sherloc (09022015). Collection method: clinical testing. Allele origin: germline.
Comment: This sequence change falls in intron 2 of the AIRE gene. It does not directly change the encoded amino acid sequence of the AIRE protein. It affects a nucleotide within the consensus splice site. This variant is not present in population databases (gnomAD no frequency). This variant has not been reported in the literature in individuals affected with AIRE-related conditions. Variants that disrupt the consensus splice site are a relatively common cause of aberrant splicing (PMID: 17576681, 9536098). Algorithms developed to predict the effect of sequence changes on RNA splicing suggest that this variant is not likely to affect RNA splicing. In summary, the available evidence is currently insufficient to determine the role of this variant in disease. Therefore, it has been classified as a Variant of Uncertain Significance.

Literature cited by the submitters: PubMed 17576681; PubMed 9536098.